The following is an entry in ClinVar:

ClinVar aggregate classification (germline): Uncertain significance (1 of 4 stars; one submission).

Conditions:
Autosomal dominant hypocalcemia 1 (HYPOC1). Also called: HYPOCALCEMIA, FAMILIAL. Identifiers: MedGen C3715128, MONDO:0011013, OMIM 601198.

Submission:

Baylor Genetics
Classification: Uncertain significance for Autosomal dominant hypocalcemia 1. Last evaluated: 2017-09-01. Review status: criteria provided, single submitter. Criteria: ACMG Guidelines, 2015. Collection method: clinical testing. Allele origin: de novo. Inheritance: Autosomal unknown. Affected: yes.

Literature cited by the submitters: PubMed 25326635.

NM_000388.4(CASR):c.891G>T (p.Glu297Asp)

Gene: CASR (calcium sensing receptor; plus strand). Cytogenetic location: 3q21.1.
Variant type: single nucleotide variant.
Coding change: c.891G>T on transcript NM_000388.4 (MANE Select); coding-DNA position 891, G replaced by T.
Protein change: p.Glu297Asp; replaces glutamic acid 297 with aspartic acid.
Molecular consequence: missense variant.
Genome position (GRCh38, 1-based): chr3:122,261,926, G>T. VCF-style: chr3-122261926-G-T. GRCh37 (hg19) VCF-style: chr3-121980773-G-T.
Other names: c.891G>T, p.Glu297Asp (NM_001178065.2); short protein forms E297D.
Identifiers: ClinVar variation 560967 (VCV000560967.2), dbSNP rs1559959353, ClinGen allele CA354151574.